The following is an entry in ClinVar:

NM_000554.6(CRX):c.591_594dup (p.Ser199fs)

Gene: CRX (cone-rod homeobox; plus strand). Cytogenetic location: 19q13.33.
Variant type: Duplication.
Coding change: c.591_594dup on transcript NM_000554.6 (MANE Select); coding-DNA positions 591 to 594, 4 bases duplicated (GGCC; older notation c.591_594dupGGCC).
Protein change: p.Ser199fs; shifts the reading frame from serine 199.
Molecular consequence: frameshift variant.
Genome position (GRCh38, 1-based): chr19:47,839,658-47,839,661, GGCC duplicated; duplicating any 4 consecutive bases within chr19:47,839,656-47,839,661 gives the same sequence; the c. name uses the placement nearest the transcript's 3' end. VCF-style (leftmost placement, unchanged base first): chr19-47839655-C-CCCGG. GRCh37 (hg19) VCF-style: chr19-48342912-C-CCCGG.
Other names: short protein forms S199fs.
Identifiers: ClinVar variation 2017828 (VCV002017828.4), dbSNP rs2514256327, ClinGen allele CA2580097509.

ClinVar aggregate classification (germline): Pathogenic (1 of 4 stars; one submission).

Conditions:
Leber congenital amaurosis 7 (LCA7). Identifiers: Orphanet 65, MedGen C3151192, MONDO:0013449, OMIM 613829.
Cone-rod dystrophy 2 (CORD2). Also called: CONE-ROD RETINAL DYSTROPHY; Cone-rod retinal dystrophy 2. Identifiers: Orphanet 1872, MedGen C3489532, MONDO:0007362, OMIM 120970.

Submission:

Labcorp Genetics (formerly Invitae), Labcorp
Classification: Pathogenic for Cone-rod dystrophy 2; Leber congenital amaurosis 7. Last evaluated: 2024-04-22. Review status: criteria provided, single submitter. Criteria: Invitae Variant Classification Sherloc (09022015). Collection method: clinical testing. Allele origin: germline.
Comment: This sequence change creates a premature translational stop signal (p.Ser199Glyfs*38) in the CRX gene. While this is not anticipated to result in nonsense mediated decay, it is expected to disrupt the last 101 amino acid(s) of the CRX protein. This variant is not present in population databases (gnomAD no frequency). This premature translational stop signal has been observed in individual(s) with retinitis pigmentosa (Invitae). ClinVar contains an entry for this variant (Variation ID: 2017828). This variant disrupts a region of the CRX protein in which other variant(s) (p.Tyr258*) have been determined to be pathogenic (PMID: 22968130, 25270190). This suggests that this is a clinically significant region of the protein, and that variants that disrupt it are likely to be disease-causing. For these reasons, this variant has been classified as Pathogenic.

Literature cited by the submitters: PubMed 22968130; PubMed 25270190.